The following is an entry in ClinVar:

ClinVar aggregate classification (germline): Uncertain significance (1 of 4 stars; one submission).

Conditions:
Charcot-Marie-Tooth disease type 2. Also called: Charcot-Marie-Tooth type 2. Identifiers: Orphanet 64746, MedGen C0270914, MONDO:0018993.

Allele frequency attached by ClinVar (database versions not stated): gnomAD exomes below 0.00001; TOPMed below 0.00001; gnomAD 0.00001.
gnomAD v4.1: 9 of 1,614,108 alleles (0.00056%); highest among the groups gnomAD compares: South Asian, 0.0011%; no homozygotes.

Submission:

Labcorp Genetics (formerly Invitae), Labcorp
Classification: Uncertain significance for Charcot-Marie-Tooth disease type 2. Last evaluated: 2025-06-29. Review status: criteria provided, single submitter. Criteria: Invitae Variant Classification Sherloc (09022015). Collection method: clinical testing. Allele origin: germline.
Comment: This sequence change replaces lysine, which is basic and polar, with glutamic acid, which is acidic and polar, at codon 720 of the MFN2 protein (p.Lys720Glu). This variant is present in population databases (no rsID available, gnomAD 0.007%). This variant has not been reported in the literature in individuals affected with MFN2-related conditions. ClinVar contains an entry for this variant (Variation ID: 543247). Invitae Evidence Modeling of protein sequence and biophysical properties (such as structural, functional, and spatial information, amino acid conservation, physicochemical variation, residue mobility, and thermodynamic stability) indicates that this missense variant is not expected to disrupt MFN2 protein function with a negative predictive value of 80%. In summary, the available evidence is currently insufficient to determine the role of this variant in disease. Therefore, it has been classified as a Variant of Uncertain Significance.

NM_014874.4(MFN2):c.2158A>G (p.Lys720Glu)

Gene: MFN2 (mitofusin 2; plus strand). Cytogenetic location: 1p36.22.
Variant type: single nucleotide variant.
Coding change: c.2158A>G on transcript NM_014874.4 (MANE Select); coding-DNA position 2158, A replaced by G.
Protein change: p.Lys720Glu; replaces lysine 720 with glutamic acid.
Molecular consequence: missense variant.
Genome position (GRCh38, 1-based): chr1:12,009,680, A>G. VCF-style: chr1-12009680-A-G. GRCh37 (hg19) VCF-style: chr1-12069737-A-G.
Other names: c.2158A>G, p.Lys720Glu (NM_001127660.2); short protein forms K720E.
Identifiers: ClinVar variation 543247 (VCV000543247.6), dbSNP rs1450205264, ClinGen allele CA338453247.